The following is an entry in ClinVar:

ClinVar aggregate classification (germline): Benign/Likely benign. Review status: criteria provided, multiple submitters, no conflicts (2 of 4 stars). 6 submissions from 6 submitters: Benign (4); Likely benign (2). Last evaluated 2026-03-01.

Conditions:
Inborn genetic diseases. Identifiers: MedGen C0950123, MeSH D030342.
Developmental and epileptic encephalopathy 94 (DEE94). Also called: Epileptic encephalopathy, childhood-onset; CHD2-Related Neurodevelopmental Disorders. Identifiers: Orphanet 1942, Orphanet 2382, MedGen C3809278, MONDO:0014150, OMIM 615369.

Allele frequency attached by ClinVar (database versions not stated): ESP Exome Variant Server 0.00008; gnomAD 0.00027 and 0.00046; gnomAD exomes 0.00032 and 0.00098; TOPMed 0.00045; ExAC 0.00105; 1000 Genomes Project 30x 0.00203; 1000 Genomes Project 0.00220.
gnomAD v4.1: 546 of 1,613,484 alleles (0.034%); highest among the groups gnomAD compares: East Asian, 1.1%; 5 homozygotes.

Submissions (6):

CeGaT Center for Human Genetics Tuebingen
Classification: Likely benign. Last evaluated: 2026-03-01. Review status: criteria provided, single submitter. Criteria: CeGaT Center For Human Genetics Tuebingen Variant Classification Criteria Version 2. Collection method: clinical testing. Allele origin: germline. Affected: yes. Observed: 1 variant allele.
Comment: CHD2: BP4, BS1

Labcorp Genetics (formerly Invitae), Labcorp
Classification: Benign for Developmental and epileptic encephalopathy 94. Last evaluated: 2026-01-27. Review status: criteria provided, single submitter. Criteria: Invitae Variant Classification Sherloc (09022015). Collection method: clinical testing. Allele origin: germline.

Blueprint Genetics
Classification: Likely benign. Last evaluated: 2024-11-08. Review status: criteria provided, single submitter. Criteria: ACMG Guidelines, 2015. Collection method: clinical testing. Allele origin: germline.

Athena Diagnostics
Classification: Benign. Last evaluated: 2017-09-21. Review status: criteria provided, single submitter. Criteria: Athena Diagnostics Criteria. Collection method: clinical testing. Allele origin: germline.

GeneDx
Classification: Benign. Last evaluated: 2017-01-17. Review status: criteria provided, single submitter. Criteria: GeneDx Variant Classification (06012015). Collection method: clinical testing. Allele origin: germline. Affected: yes.
Comment: This variant is considered likely benign or benign based on one or more of the following criteria: it is a conservative change, it occurs at a poorly conserved position in the protein, it is predicted to be benign by multiple in silico algorithms, and/or has population frequency not consistent with disease.

Ambry Genetics
Classification: Benign for Inborn genetic diseases. Last evaluated: 2016-12-20. Review status: criteria provided, single submitter. Criteria: Ambry Variant Classification Scheme 2023. Collection method: clinical testing. Allele origin: germline.

NM_001271.4(CHD2):c.2728-3C>T

Gene: CHD2 (chromodomain helicase DNA binding protein 2; plus strand). Cytogenetic location: 15q26.1.
Variant type: single nucleotide variant.
Coding change: c.2728-3C>T on transcript NM_001271.4 (MANE Select); 3 bases into the intron before coding-DNA position 2728, C replaced by T.
Molecular consequence: intron variant.
Genome position (GRCh38, 1-based): chr15:92,979,132, C>T. VCF-style: chr15-92979132-C-T. GRCh37 (hg19) VCF-style: chr15-93522362-C-T.
Identifiers: ClinVar variation 383403 (VCV000383403.22), dbSNP rs2272460, ClinGen allele CA7748064.